The following is an entry in ClinVar:

ClinVar aggregate classification (germline): Uncertain significance (1 of 4 stars; one submission).

Conditions:
Autosomal recessive limb-girdle muscular dystrophy type R18 (LGMDR18). Also called: MUSCULAR DYSTROPHY, LIMB-GIRDLE, AUTOSOMAL RECESSIVE 18; Limb-girdle muscular dystrophy, type 2S; Autosomal recessive limb-girdle muscular dystrophy type 2S. Identifiers: Orphanet 369840, MedGen C4517996, MONDO:0014144, OMIM 615356.

Allele frequency attached by ClinVar (database versions not stated): TOPMed below 0.00001; gnomAD 0.00001.
gnomAD v4.1: 1 of 1,613,938 alleles (0.000062%); highest among the groups gnomAD compares: African/African-American, 0.0013%; no homozygotes.

Submission:

Labcorp Genetics (formerly Invitae), Labcorp
Classification: Uncertain significance for Autosomal recessive limb-girdle muscular dystrophy type R18. Last evaluated: 2019-07-03. Review status: criteria provided, single submitter. Criteria: Invitae Variant Classification Sherloc (09022015). Collection method: clinical testing. Allele origin: germline.
Comment: This sequence change replaces alanine with proline at codon 613 of the TRAPPC11 protein (p.Ala613Pro). The alanine residue is moderately conserved and there is a small physicochemical difference between alanine and proline. This variant is not present in population databases (ExAC no frequency). This variant has not been reported in the literature in individuals with TRAPPC11-related conditions. Algorithms developed to predict the effect of missense changes on protein structure and function output the following: SIFT: "Tolerated"; PolyPhen-2: "Possibly Damaging"; Align-GVGD: "Class C0". The proline amino acid residue is found in multiple mammalian species, suggesting that this missense change does not adversely affect protein function. These predictions have not been confirmed by published functional studies and their clinical significance is uncertain. In summary, the available evidence is currently insufficient to determine the role of this variant in disease. Therefore, it has been classified as a Variant of Uncertain Significance.

NM_021942.6(TRAPPC11):c.1837G>C (p.Ala613Pro)

Gene: TRAPPC11 (trafficking protein particle complex subunit 11; plus strand). Cytogenetic location: 4q35.1.
Variant type: single nucleotide variant.
Coding change: c.1837G>C on transcript NM_021942.6 (MANE Select); coding-DNA position 1837, G replaced by C.
Protein change: p.Ala613Pro; replaces alanine 613 with proline.
Molecular consequence: missense variant.
Genome position (GRCh38, 1-based): chr4:183,686,692, G>C. VCF-style: chr4-183686692-G-C. GRCh37 (hg19) VCF-style: chr4-184607845-G-C.
Other names: c.1837G>C, p.Ala613Pro (NM_199053.3); short protein forms A613P.
Identifiers: ClinVar variation 935063 (VCV000935063.10), dbSNP rs769979581, ClinGen allele CA358869803.
Genomic context (GRCh38, chr4:183,686,692, plus strand): 5'-AAGTTTCATGCCCCAAGTTTTCATGTTGATGTTCCTGTTCAGTTTGATATTTATCTGAAG[G>C]CTGATTGTCCACATCCCATTAGGTTTTCCAAGCTCTGTGTCAGCTTTAATAATCAGGTAA-3'
Protein context (NP_068761.4, residues 603-623): VPVQFDIYLK[Ala613Pro]DCPHPIRFSK